The following is an entry in ClinVar:

ClinVar aggregate classification (germline): Uncertain significance (1 of 4 stars; one submission).

Conditions:
Congenital myasthenic syndrome 12 (CMS12). Also called: Myasthenia, congenital, 12, with tubular aggregates; MYASTHENIC SYNDROME, CONGENITAL, WITH TUBULAR AGGREGATES 1. Identifiers: Orphanet 353327, Orphanet 590, MedGen C3552335, MONDO:0012518, OMIM 610542.

Submission:

Labcorp Genetics (formerly Invitae), Labcorp
Classification: Uncertain significance for Congenital myasthenic syndrome 12. Last evaluated: 2019-08-27. Review status: criteria provided, single submitter. Criteria: Invitae Variant Classification Sherloc (09022015). Collection method: clinical testing. Allele origin: germline.
Comment: In summary, the available evidence is currently insufficient to determine the role of this variant in disease. Therefore, it has been classified as a Variant of Uncertain Significance. Algorithms developed to predict the effect of sequence changes on RNA splicing suggest that this variant may create or strengthen a splice site, but this prediction has not been confirmed by published transcriptional studies. Algorithms developed to predict the effect of missense changes on protein structure and function are either unavailable or do not agree on the potential impact of this missense change (SIFT: "Deleterious"; PolyPhen-2: "Probably Damaging"; Align-GVGD: "Class C0"). This variant has not been reported in the literature in individuals with GFPT1-related conditions. This variant is not present in population databases (ExAC no frequency). This sequence change replaces asparagine with serine at codon 123 of the GFPT1 protein (p.Asn123Ser). The asparagine residue is highly conserved and there is a small physicochemical difference between asparagine and serine.

NM_001244710.2(GFPT1):c.368A>G (p.Asn123Ser)

Gene: GFPT1 (glutamine--fructose-6-phosphate transaminase 1; minus strand). Cytogenetic location: 2p13.3.
Variant type: single nucleotide variant.
Coding change: c.368A>G on transcript NM_001244710.2 (MANE Select); coding-DNA position 368, A replaced by G.
Protein change: p.Asn123Ser; replaces asparagine 123 with serine.
Molecular consequence: missense variant.
Genome position (GRCh38, 1-based): chr2:69,359,308, T>C on the plus strand (A>G on the coding strand, the complement: GFPT1 is on the minus strand). VCF-style: chr2-69359308-T-C. GRCh37 (hg19) VCF-style: chr2-69586440-T-C.
Other names: c.368A>G, p.Asn123Ser (NM_002056.4); short protein forms N123S.
Identifiers: ClinVar variation 934354 (VCV000934354.9), dbSNP rs1671414273, ClinGen allele CA347132578.
Genomic context (GRCh38, chr2:69,359,308, plus strand): 5'-TTTGAGGTCACCTTACTTACCAAAAACTTTTTCAAGTCTTTGTAGTTGGTGATGATTCCA[T>C]TGTGAATAACGATAAATTCTAAAAGAGGTAAAAGTGTTGAAGACAAAAAAGTTAGAAGTA-3'
Protein context (NP_001231639.1, residues 113-133): DKNNEFIVIH[Asn123Ser]GIITNYKDLK